The following is an entry in ClinVar:

ClinVar aggregate classification (germline): Conflicting classifications of pathogenicity. Review status: criteria provided, conflicting classifications (1 of 4 stars). 3 submissions from 3 submitters: Uncertain significance (2); Likely benign (1). Last evaluated 2024-04-10.

Conditions:
Hereditary cancer-predisposing syndrome. Also called: Tumor predisposition; Neoplastic Syndromes, Hereditary; Hereditary neoplastic syndrome; Hereditary Cancer Syndrome. Identifiers: Orphanet 140162, MedGen C0027672, MeSH D009386, MONDO:0015356.
Hereditary breast ovarian cancer syndrome. Also called: BRCA1- and BRCA2-Associated Hereditary Breast and Ovarian Cancer; Hereditary breast and/or ovarian cancer syndrome; Hereditary breast and ovarian cancer syndrome; Hereditary breast and ovarian cancer; Hereditary breast and ovarian cancer syndrome (HBOC); Breast and ovarian cancer. Identifiers: Orphanet 145, MedGen C0677776, MeSH D061325, MONDO:0003582. Disease mechanism: loss of function.

Submissions (3):

Ambry Genetics
Classification: Uncertain significance for Hereditary cancer-predisposing syndrome. Last evaluated: 2024-04-10. Review status: criteria provided, single submitter. Criteria: Ambry Variant Classification Scheme 2023. Collection method: clinical testing. Allele origin: germline.
Comment: The p.V2228I variant (also known as c.6682G>A), located in coding exon 10 of the BRCA2 gene, results from a G to A substitution at nucleotide position 6682. The valine at codon 2228 is replaced by isoleucine, an amino acid with highly similar properties. This amino acid position is not well conserved in available vertebrate species. In addition, the in silico prediction for this alteration is inconclusive. Since supporting evidence is limited at this time, the clinical significance of this alteration remains unclear.

University of Washington Department of Laboratory Medicine, University of Washington
Classification: Likely benign for Hereditary cancer-predisposing syndrome. Last evaluated: 2023-03-23. Review status: criteria provided, single submitter. Criteria: Dines et al. (Genet Med. 2020). Collection method: curation. Allele origin: germline.
Comment: Missense variant in a coldspot region where missense variants are very unlikely to be pathogenic (PMID:31911673).

BRCA2 exon 11 coldspot. Reclassification based on statistical prior probability.

Labcorp Genetics (formerly Invitae), Labcorp
Classification: Uncertain significance for Hereditary breast ovarian cancer syndrome. Last evaluated: 2020-03-17. Review status: criteria provided, single submitter. Criteria: Invitae Variant Classification Sherloc (09022015). Collection method: clinical testing. Allele origin: germline.
Comment: In summary, the available evidence is currently insufficient to determine the role of this variant in disease. Therefore, it has been classified as a Variant of Uncertain Significance. Algorithms developed to predict the effect of missense changes on protein structure and function output the following: SIFT: "Tolerated"; PolyPhen-2: "Benign"; Align-GVGD: "Class C0". The isoleucine amino acid residue is found in multiple mammalian species, suggesting that this missense change does not adversely affect protein function. These predictions have not been confirmed by published functional studies and their clinical significance is uncertain. This variant has not been reported in the literature in individuals with BRCA2-related conditions. This variant is not present in population databases (ExAC no frequency). This sequence change replaces valine with isoleucine at codon 2228 of the BRCA2 protein (p.Val2228Ile). The valine residue is moderately conserved and there is a small physicochemical difference between valine and isoleucine.

NM_000059.4(BRCA2):c.6682G>A (p.Val2228Ile)

Gene: BRCA2 (BRCA2 DNA repair associated; plus strand). Cytogenetic location: 13q13.1.
Variant type: single nucleotide variant.
Coding change: c.6682G>A on transcript NM_000059.4 (MANE Select); coding-DNA position 6682, G replaced by A.
Protein change: p.Val2228Ile; replaces valine 2228 with isoleucine.
Molecular consequence: missense variant.
Genome position (GRCh38, 1-based): chr13:32,341,037, G>A. VCF-style: chr13-32341037-G-A. GRCh37 (hg19) VCF-style: chr13-32915174-G-A.
Other names: short protein forms V2228I.
Identifiers: ClinVar variation 1018596 (VCV001018596.13), dbSNP rs1593909466, ClinGen allele CA387790566.